The following is an entry in ClinVar:

NM_000488.4(SERPINC1):c.-57G>A

Gene: SERPINC1 (serpin family C member 1; minus strand). Cytogenetic location: 1q25.1.
Variant type: single nucleotide variant.
Coding change: c.-57G>A on transcript NM_000488.4 (MANE Select); 57 bases upstream of the start codon, G replaced by A.
Molecular consequence: 5 prime UTR variant.
Genome position (GRCh38, 1-based): chr1:173,917,316, C>T on the plus strand (G>A on the coding strand, the complement: SERPINC1 is on the minus strand). VCF-style: chr1-173917316-C-T. GRCh37 (hg19) VCF-style: chr1-173886454-C-T.
Other names: c.-370G>A (NM_001365052.2); c.-57G>A (NM_001386302.1, NM_001386303.1, NM_001386304.1 and 2 more transcripts).
Identifiers: ClinVar variation 293840 (VCV000293840.7), dbSNP rs372524963, ClinGen allele CA10608400.

ClinVar aggregate classification (germline): Likely benign. Review status: reviewed by expert panel (3 of 4 stars). 3 submissions from 3 submitters: Likely benign (1). 2 of the submissions do not count toward it. Last evaluated 2024-07-03.

Conditions:
Hereditary antithrombin deficiency (AT3D). Also called: Antithrombin III deficiency; Thrombophilia due to antithrombin III deficiency; Reduced antithrombin III activity; Antithrombin deficiency. Identifiers: Orphanet 82, MedGen C0272375, MONDO:0013144, OMIM 613118, HP:0001976.

Allele frequency attached by ClinVar (database versions not stated): ESP Exome Variant Server 0.00022; TOPMed 0.00025; gnomAD 0.00029.
gnomAD v4.1: 397 of 1,527,916 alleles (0.026%); highest among the groups gnomAD compares: Admixed American, 0.042%; no homozygotes.

Submissions (3):

Clingen Thrombosis Variant Curation Expert Panel, ClinGen
Classification: Likely benign for Hereditary antithrombin deficiency. Last evaluated: 2024-07-03. Review status: reviewed by expert panel. Criteria: ClinGen ACMG Specifications SERPINC1 V1.0.0. Collection method: curation. Allele origin: germline. Inheritance: Autosomal dominant inheritance.
Comment: The c.-57G>A (NM_000488.3) variant in SERPINC1 is in the 5' untranslated region (UTR) and changes nucleotide guanine to adenine. The minor allele frequency in gnomAD v2.1.1 is 0.0002868 (9/31380), which is higher than the ClinGen SERPINC1 threshold ([>0.0002]) for BS1, and therefore meets this criterion (BS1). SpliceAI predicts no impact on splicing, meeting criteria for BP4. SpliceAI predicts no impact on splicing and PhyloP gives a conservation score of -1.501 which is lower than the ClinGen SERPINC1 threshold (<0.1) for BP7, and therefore meets this criterion (BP7). In summary, this variant meets criteria to be classified as likely benign. ACMG/AMP criteria applied, as specified by the Thrombosis Variant Curation Expert Panel for SERPINC1: BS1, BP4, BP7.

Fulgent Genetics
Classification: Uncertain significance for Hereditary antithrombin deficiency. Last evaluated: 2021-09-01. Review status: criteria provided, single submitter. Criteria: ACMG Guidelines, 2015. Collection method: clinical testing. Allele origin: unknown. Not counted in ClinVar's aggregate classification.

Illumina Laboratory Services, Illumina
Classification: Uncertain significance for Hereditary antithrombin deficiency. Last evaluated: 2018-01-13. Review status: criteria provided, single submitter. Criteria: ICSL Variant Classification Criteria 13 December 2019. Collection method: clinical testing. Allele origin: germline. Not counted in ClinVar's aggregate classification.